The following is an entry in ClinVar:

NM_004628.5(XPC):c.570del (p.Arg191fs)

Gene: XPC (XPC complex subunit, DNA damage recognition and repair factor; minus strand). Cytogenetic location: 3p25.1.
Variant type: Deletion.
Coding change: c.570del on transcript NM_004628.5 (MANE Select); coding-DNA position 570, one base deleted (T; older notation c.570delT).
Protein change: p.Arg191fs; shifts the reading frame from arginine 191.
Molecular consequence: frameshift variant. On other transcripts: 5 prime UTR variant (1), non-coding transcript variant (2).
Genome position (GRCh38, 1-based): chr3:14,167,220, A deleted on the plus strand (T on the coding strand, the reverse complement: XPC is on the minus strand); the first of 2 consecutive A bases (chr3:14,167,220-14,167,221); deleting either gives the same sequence. VCF-style (leftmost placement, unchanged base first): chr3-14167219-GA-G. GRCh37 (hg19) VCF-style: chr3-14208719-GA-G.
Other names: c.-10del (NM_001354726.2); c.570del, p.Arg191fs (NM_001354727.2, NM_001354730.2); c.552del, p.Arg185fs (NM_001354729.2); short protein forms R185fs, R191fs.
Identifiers: ClinVar variation 1458152 (VCV001458152.6), dbSNP rs2125039231, ClinGen allele CA2573136163.

ClinVar aggregate classification (germline): Pathogenic (1 of 4 stars; one submission).

Submission:

Labcorp Genetics (formerly Invitae), Labcorp
Classification: Pathogenic. Last evaluated: 2021-03-22. Review status: criteria provided, single submitter. Criteria: Invitae Variant Classification Sherloc (09022015). Collection method: clinical testing. Allele origin: germline.
Comment: This sequence change creates a premature translational stop signal (p.Arg191Glyfs*4) in the XPC gene. It is expected to result in an absent or disrupted protein product. Loss-of-function variants in XPC are known to be pathogenic (PMID: 23173980, 25256075). This variant is not present in population databases (ExAC no frequency). This variant has not been reported in the literature in individuals with XPC-related conditions. For these reasons, this variant has been classified as Pathogenic.

Literature cited by the submitters: PubMed 23173980; PubMed 25256075.